The following is an entry in ClinVar:

ClinVar aggregate classification (germline): Uncertain significance. Review status: criteria provided, multiple submitters, no conflicts (2 of 4 stars). 2 submissions from 2 submitters: Uncertain significance (2). Last evaluated 2025-03-06.

Conditions:
Arrhythmogenic right ventricular dysplasia 13. Also called: ARRHYTHMOGENIC RIGHT VENTRICULAR CARDIOMYOPATHY 13; Arrhythmogenic right ventricular dysplasia, familial, 13. Identifiers: MedGen C3810138, MONDO:0000908, OMIM 615616.

Allele frequency attached by ClinVar (database versions not stated): gnomAD exomes below 0.00001; gnomAD 0.00001; TOPMed 0.00001.
gnomAD v4.1: 3 of 1,613,284 alleles (0.00019%); highest among the groups gnomAD compares: African/African-American, 0.004%; no homozygotes.

Submissions (2):

Ambry Genetics
Classification: Uncertain significance. Last evaluated: 2025-03-06. Review status: criteria provided, single submitter. Criteria: Ambry Variant Classification Scheme 2023. Collection method: clinical testing. Allele origin: germline.

Labcorp Genetics (formerly Invitae), Labcorp
Classification: Uncertain significance for Arrhythmogenic right ventricular dysplasia 13. Last evaluated: 2024-08-28. Review status: criteria provided, single submitter. Criteria: Invitae Variant Classification Sherloc (09022015). Collection method: clinical testing. Allele origin: germline.
Comment: This sequence change replaces alanine, which is neutral and non-polar, with valine, which is neutral and non-polar, at codon 188 of the CTNNA3 protein (p.Ala188Val). This variant is not present in population databases (gnomAD no frequency). This variant has not been reported in the literature in individuals affected with CTNNA3-related conditions. Invitae Evidence Modeling of protein sequence and biophysical properties (such as structural, functional, and spatial information, amino acid conservation, physicochemical variation, residue mobility, and thermodynamic stability) indicates that this missense variant is not expected to disrupt CTNNA3 protein function with a negative predictive value of 80%. In summary, the available evidence is currently insufficient to determine the role of this variant in disease. Therefore, it has been classified as a Variant of Uncertain Significance.

NM_013266.4(CTNNA3):c.563C>T (p.Ala188Val)

Gene: CTNNA3 (catenin alpha 3; minus strand). Cytogenetic location: 10q21.3.
Variant type: single nucleotide variant.
Coding change: c.563C>T on transcript NM_013266.4 (MANE Select); coding-DNA position 563, C replaced by T.
Protein change: p.Ala188Val; replaces alanine 188 with valine.
Molecular consequence: missense variant.
Genome position (GRCh38, 1-based): chr10:67,521,858, G>A on the plus strand (C>T on the coding strand, the complement: CTNNA3 is on the minus strand). VCF-style: chr10-67521858-G-A. GRCh37 (hg19) VCF-style: chr10-69281616-G-A.
Other names: c.563C>T, p.Ala188Val (NM_001127384.3); c.599C>T, p.Ala200Val (NM_001291133.2); c.563C>T (NM_013266.2); short protein forms A188V, A200V.
Identifiers: ClinVar variation 2884327 (VCV002884327.4), dbSNP rs1839997807, ClinGen allele CA377097452.
Genomic context (GRCh38, chr10:67,521,858, plus strand): 5'-CTAAAGTGTTCATCTCCTCCACCAAGGAGAGCTCTGACTCCTACCTGCTGACGTTTGAAG[G>A]CTAAATAATCCAAATTTTCCAGCTCCTTCCCAAGCTTCTGGTAGGTTTTCTGGAGGTCAG-3'
Protein context (NP_037398.2, residues 178-198): GKELENLDYL[Ala188Val]FKRQQDLKSP